The following is an entry in ClinVar:

NM_022098.4(XPNPEP3):c.*390A>G

Gene: XPNPEP3 (X-prolyl aminopeptidase 3; plus strand). Cytogenetic location: 22q13.2.
Variant type: single nucleotide variant.
Coding change: c.*390A>G on transcript NM_022098.4 (MANE Select); 390 bases downstream of the stop codon, A replaced by G.
Molecular consequence: 3 prime UTR variant.
Genome position (GRCh38, 1-based): chr22:40,926,825, A>G. VCF-style: chr22-40926825-A-G. GRCh37 (hg19) VCF-style: chr22-41322829-A-G.
Identifiers: ClinVar variation 901171 (VCV000901171.4), dbSNP rs142395135, ClinGen allele CA324452399.

ClinVar aggregate classification (germline): Likely benign (1 of 4 stars; one submission).

Conditions:
Nephronophthisis-like nephropathy 1 (NPHPL1). Identifiers: Orphanet 655, MedGen C3150419, MONDO:0013163, OMIM 613159.

Allele frequency attached by ClinVar (database versions not stated): gnomAD exomes 0.00039; 1000 Genomes Project 30x 0.00234; 1000 Genomes Project 0.00240; TOPMed 0.00329.
gnomAD v4.1: 515 of 289,600 alleles (0.18%); highest among the groups gnomAD compares: African/African-American, 1.1%; no homozygotes.

Submission:

Illumina Laboratory Services, Illumina
Classification: Likely benign for Nephronophthisis-like nephropathy 1. Last evaluated: 2018-01-13. Review status: criteria provided, single submitter. Criteria: ICSL Variant Classification Criteria 13 December 2019. Collection method: clinical testing. Allele origin: germline.
Comment: This variant was observed in the ICSL laboratory as part of a predisposition screen in an ostensibly healthy population. It had not been previously curated by ICSL or reported in the Human Gene Mutation Database (HGMD: prior to June 1st, 2018), and was therefore a candidate for classification through an automated scoring system. Utilizing variant allele frequency, disease prevalence and penetrance estimates, and inheritance mode, an automated score was calculated to assess if this variant is too frequent to cause the disease. Based on the score and internal cut-off values, a variant classified as likely benign is not then subjected to further curation. The score for this variant resulted in a classification of likely benign for this disease.